The following is an entry in ClinVar:

NM_001394962.1(KIAA1210):c.1305T>G (p.Leu435=)

Gene: KIAA1210 (KIAA1210; minus strand). Cytogenetic location: Xq24.
Variant type: single nucleotide variant.
Coding change: c.1305T>G on transcript NM_001394962.1 (MANE Select); coding-DNA position 1305, T replaced by G.
Protein change: p.Leu435=; no amino-acid change (leucine 435 retained).
Molecular consequence: synonymous variant.
Genome position (GRCh38, 1-based): chrX:119,089,397, A>C on the plus strand (T>G on the coding strand, the complement: KIAA1210 is on the minus strand). VCF-style: chrX-119089397-A-C. GRCh37 (hg19) VCF-style: chrX-118223360-A-C.
Other names: c.1833T>G, p.Leu611= (NM_020721.1).
Identifiers: ClinVar variation 2661287 (VCV002661287.24), dbSNP rs61741231, ClinGen allele CA10501249.
Genomic context (GRCh38, chrX:119,089,397, plus strand): 5'-TGCTTTTCTGGATCCGAAATCTATGCCAGCATTTCTCCTTCCCATGTCATCTTTATCTGA[A>C]AGCAACCCCTGAGGGGTAGTGGTTTCTGGTTGTGAAGTTGTAGGCTGCTCCATGTTGTCC-3'
Protein context (NP_001381891.1, residues 425-445): QPETTTPQGL[Leu435=]SDKDDMGRRN

ClinVar aggregate classification (germline): Likely benign (1 of 4 stars; one submission).

Allele frequency attached by ClinVar (database versions not stated): TOPMed 0.00019; gnomAD 0.00020; gnomAD exomes 0.00034; ESP Exome Variant Server 0.00062; ExAC 0.00015.
gnomAD v4.1: 391 of 1,209,856 alleles (0.032%); highest among the groups gnomAD compares: Non-Finnish European, 0.042%; no homozygotes.

Submission:

CeGaT Center for Human Genetics Tuebingen
Classification: Likely benign. Last evaluated: 2022-09-01. Review status: criteria provided, single submitter. Criteria: CeGaT Center For Human Genetics Tuebingen Variant Classification Criteria Version 2. Collection method: clinical testing. Allele origin: germline. Affected: yes. Observed: 1 variant allele.
Comment: KIAA1210: BP4, BP7